The following is an entry in ClinVar:

NM_152281.3(GORAB):c.389A>G (p.Asp130Gly)

Gene: GORAB (golgin, RAB6 interacting; plus strand). Cytogenetic location: 1q24.2.
Variant type: single nucleotide variant.
Coding change: c.389A>G on transcript NM_152281.3 (MANE Select); coding-DNA position 389, A replaced by G.
Protein change: p.Asp130Gly; replaces aspartic acid 130 with glycine.
Molecular consequence: missense variant. On other transcripts: 5 prime UTR variant (1), non-coding transcript variant (1).
Genome position (GRCh38, 1-based): chr1:170,539,537, A>G. VCF-style: chr1-170539537-A-G. GRCh37 (hg19) VCF-style: chr1-170508678-A-G.
Other names: c.389A>G, p.Asp130Gly (NM_001146039.2); c.-77A>G (NM_001320252.2); c.338A>G, p.Asp113Gly (NM_001410894.1); short protein forms D130G, D113G.
Identifiers: ClinVar variation 1944712 (VCV001944712.2), dbSNP rs1649279289, ClinGen allele CA343163041.

ClinVar aggregate classification (germline): Uncertain significance (1 of 4 stars; one submission).

Allele frequency attached by ClinVar (database versions not stated): gnomAD 0.00001; TOPMed 0.00001.
gnomAD v4.1: 1 of 1,613,946 alleles (0.000062%); highest among the groups gnomAD compares: Admixed American, 0.0017%; no homozygotes.

Submission:

Labcorp Genetics (formerly Invitae), Labcorp
Classification: Uncertain significance. Last evaluated: 2022-03-14. Review status: criteria provided, single submitter. Criteria: Invitae Variant Classification Sherloc (09022015). Collection method: clinical testing. Allele origin: germline.
Comment: This sequence change replaces aspartic acid, which is acidic and polar, with glycine, which is neutral and non-polar, at codon 155 of the GORAB protein (p.Asp155Gly). This variant is not present in population databases (gnomAD no frequency). This variant has not been reported in the literature in individuals affected with GORAB-related conditions. Algorithms developed to predict the effect of missense changes on protein structure and function are either unavailable or do not agree on the potential impact of this missense change (SIFT: "Deleterious"; PolyPhen-2: "Benign"; Align-GVGD: "Class C0"). In summary, the available evidence is currently insufficient to determine the role of this variant in disease. Therefore, it has been classified as a Variant of Uncertain Significance.